The following is an entry in ClinVar:

ClinVar aggregate classification (germline): Likely benign (0 of 4 stars; one submission).

Conditions:
CRYBB3-related disorder. Also called: CRYBB3-related condition.

Allele frequency attached by ClinVar (database versions not stated): TOPMed 0.00001; gnomAD 0.00007; 1000 Genomes Project 30x 0.00016; gnomAD exomes 0.00017; 1000 Genomes Project 0.00020; ExAC 0.00043.
gnomAD v4.1: 252 of 1,614,138 alleles (0.016%); highest among the groups gnomAD compares: South Asian, 0.25%; 3 homozygotes.

Submission:

PreventionGenetics, part of Exact Sciences
Classification: Likely benign for CRYBB3-related condition. Last evaluated: 2019-03-05. Review status: no assertion criteria provided. Collection method: clinical testing. Allele origin: germline.
Comment: This variant is classified as likely benign based on ACMG/AMP sequence variant interpretation guidelines (Richards et al. 2015 PMID: 25741868, with internal and published modifications).

NM_004076.5(CRYBB3):c.423T>C (p.Ala141=)

Gene: CRYBB3 (crystallin beta B3; plus strand). Cytogenetic location: 22q11.23.
Variant type: single nucleotide variant.
Coding change: c.423T>C on transcript NM_004076.5 (MANE Select); coding-DNA position 423, T replaced by C.
Protein change: p.Ala141=; no amino-acid change (alanine 141 retained).
Molecular consequence: synonymous variant.
Genome position (GRCh38, 1-based): chr22:25,205,315, T>C. VCF-style: chr22-25205315-T-C. GRCh37 (hg19) VCF-style: chr22-25601282-T-C.
Identifiers: ClinVar variation 3040112 (VCV003040112.2), dbSNP rs558451033, ClinGen allele CA10157787.